The following is an entry in ClinVar:

ClinVar aggregate classification (germline): Uncertain significance. Review status: criteria provided, multiple submitters, no conflicts (2 of 4 stars). 6 submissions from 5 submitters: Uncertain significance (6). Last evaluated 2025-07-11.

Conditions:
Inborn genetic diseases. Identifiers: MedGen C0950123, MeSH D030342.
Ectopia lentis et pupillae. Also called: ECTOPIA LENTIS WITH ECTOPIA OF PUPIL. Identifiers: Orphanet 1885, MedGen C1644196, MONDO:0009153, OMIM 225200.
Ectopia lentis 2, isolated, autosomal recessive (ECTOL2). Identifiers: Orphanet 1885, MedGen C3541474, MONDO:0009152, OMIM 225100.

Allele frequency attached by ClinVar (database versions not stated): gnomAD exomes 0.00036 and 0.00079; ExAC 0.00039; ESP Exome Variant Server 0.00039; gnomAD 0.00043 and 0.00044; TOPMed 0.00051.

Submissions (6):

GeneDx
Classification: Uncertain significance. Last evaluated: 2025-07-11. Review status: criteria provided, single submitter. Criteria: GeneDx Variant Classification Process June 2021. Collection method: clinical testing. Allele origin: germline. Affected: yes.
Comment: In silico analysis suggests that this missense variant does not alter protein structure/function; Has not been previously published as pathogenic or benign to our knowledge

Ambry Genetics
Classification: Uncertain significance for Inborn genetic diseases. Last evaluated: 2024-05-09. Review status: criteria provided, single submitter. Criteria: Ambry Variant Classification Scheme 2023. Collection method: clinical testing. Allele origin: germline.

Genome-Nilou Lab
Classification: Uncertain significance for Ectopia lentis et pupillae. Last evaluated: 2023-04-11. Review status: criteria provided, single submitter. Criteria: ACMG Guidelines, 2015. Collection method: clinical testing. Allele origin: germline. Affected: no.

Genome-Nilou Lab
Classification: Uncertain significance for Ectopia lentis 2, isolated, autosomal recessive. Last evaluated: 2023-04-11. Review status: criteria provided, single submitter. Criteria: ACMG Guidelines, 2015. Collection method: clinical testing. Allele origin: germline. Affected: no.

Labcorp Genetics (formerly Invitae), Labcorp
Classification: Uncertain significance. Last evaluated: 2022-08-22. Review status: criteria provided, single submitter. Criteria: Invitae Variant Classification Sherloc (09022015). Collection method: clinical testing. Allele origin: germline.
Comment: This sequence change replaces proline, which is neutral and non-polar, with leucine, which is neutral and non-polar, at codon 631 of the ADAMTSL4 protein (p.Pro631Leu). This variant is present in population databases (rs142312610, gnomAD 0.06%). This variant has not been reported in the literature in individuals affected with ADAMTSL4-related conditions. ClinVar contains an entry for this variant (Variation ID: 876369). Algorithms developed to predict the effect of missense changes on protein structure and function (SIFT, PolyPhen-2, Align-GVGD) all suggest that this variant is likely to be tolerated. In summary, the available evidence is currently insufficient to determine the role of this variant in disease. Therefore, it has been classified as a Variant of Uncertain Significance.

Illumina Laboratory Services, Illumina
Classification: Uncertain significance for Ectopia lentis 2, isolated, autosomal recessive. Last evaluated: 2018-01-12. Review status: criteria provided, single submitter. Criteria: ICSL Variant Classification Criteria 13 December 2019. Collection method: clinical testing. Allele origin: germline.

NM_019032.6(ADAMTSL4):c.1892C>T (p.Pro631Leu)

Genes: ADAMTSL4-AS2 (ADAMTSL4 antisense RNA 2; minus strand), ADAMTSL4 (ADAMTS like 4; plus strand). Cytogenetic location: 1q21.2.
Variant type: single nucleotide variant.
Coding change: c.1892C>T on transcript NM_019032.6 (MANE Select); coding-DNA position 1892, C replaced by T.
Protein change: p.Pro631Leu; replaces proline 631 with leucine.
Molecular consequence: missense variant. On other transcripts: intron variant (1).
Genome position (GRCh38, 1-based): chr1:150,557,180, C>T. VCF-style: chr1-150557180-C-T. GRCh37 (hg19) VCF-style: chr1-150529656-C-T.
Other names: c.1892C>T (NM_019032.5); c.1961C>T, p.Pro654Leu (NM_001288608.2); c.1892C>T, p.Pro631Leu (NM_001378596.1, NM_025008.5); c.1857-82C>T (NM_001288607.2); short protein forms P654L, P631L.
Identifiers: ClinVar variation 876369 (VCV000876369.10), dbSNP rs142312610, ClinGen allele CA1078450.